The following is an entry in ClinVar:

ClinVar aggregate classification (germline): Uncertain significance. Review status: criteria provided, multiple submitters, no conflicts (2 of 4 stars). 3 submissions from 3 submitters: Uncertain significance (3). Last evaluated 2025-06-17.

Conditions:
Thrombocythemia 2. Also called: THROMBOCYTHEMIA 2, SUSCEPTIBILITY TO. Identifiers: MedGen C3275998, MONDO:0011173, OMIM 601977.

gnomAD v4.1: 370 of 1,561,496 alleles (0.024%); highest among the groups gnomAD compares: African/African-American, 0.049%; no homozygotes.

Submissions (3):

St. Jude Molecular Pathology, St. Jude Children's Research Hospital
Classification: Uncertain significance for Thrombocythemia 2. Last evaluated: 2025-06-17. Review status: criteria provided, single submitter. Criteria: St. Jude Assertion Criteria 2020. Collection method: clinical testing. Allele origin: germline.
Comment: The MPIG6B c.62C>G p.(Ala21Gly) missense change a maximum subpopulation frequency of 0.051% in gnomAD v2.1.1. The in silico tool REVEL predicts a benign effect on protein function and no splicing effects are predicted, but to our knowledge these predictions have not been confirmed by functional studies. To our knowledge, this variant has not been reported in individuals with MPIG6B-related conditions. In summary, the evidence currently available is insufficient to determine the clinical significance of this variant. It has therefore been classified as of uncertain significance.

Blueprint Genetics
Classification: Uncertain significance. Last evaluated: 2024-10-07. Review status: criteria provided, single submitter. Criteria: ACMG Guidelines, 2015. Collection method: clinical testing. Allele origin: germline.

Mayo Clinic Laboratories, Mayo Clinic
Classification: Uncertain significance. Last evaluated: 2024-05-09. Review status: criteria provided, single submitter. Criteria: ACMG Guidelines, 2015. Collection method: clinical testing. Allele origin: germline. Observed: 1 variant allele.
Comment: BP4, PM1_supporting

NM_138272.3(MPIG6B):c.62C>G (p.Ala21Gly)

Gene: MPIG6B (megakaryocyte and platelet inhibitory receptor G6b; plus strand). Cytogenetic location: 6p21.33.
Variant type: single nucleotide variant.
Coding change: c.62C>G on transcript NM_138272.3 (MANE Select); coding-DNA position 62, C replaced by G.
Protein change: p.Ala21Gly; replaces alanine 21 with glycine.
Molecular consequence: missense variant.
Genome position (GRCh38, 1-based): chr6:31,723,639, C>G. VCF-style: chr6-31723639-C-G. GRCh37 (hg19) VCF-style: chr6-31691416-C-G.
Other names: p.Ala21Gly; c.62C>G, p.Ala21Gly (NM_025260.4, NM_138273.3, NM_138274.3 and 2 more transcripts); short protein forms A21G.
Identifiers: ClinVar variation 3379641 (VCV003379641.4).